The following is an entry in ClinVar:

NM_002693.3(POLG):c.156G>A (p.Gln52=)

Genes: POLG (DNA polymerase gamma, catalytic subunit; minus strand), POLGARF (POLG alternative reading frame; minus strand). Cytogenetic location: 15q26.1.
Variant type: single nucleotide variant.
Coding change: c.156G>A on transcript NM_002693.3 (MANE Select); coding-DNA position 156, G replaced by A.
Protein change: p.Gln52=; no amino-acid change (glutamine 52 retained).
Molecular consequence: synonymous variant.
Genome position (GRCh38, 1-based): chr15:89,333,599, C>T on the plus strand (G>A on the coding strand, the complement: POLG is on the minus strand). VCF-style: chr15-89333599-C-T. GRCh37 (hg19) VCF-style: chr15-89876830-C-T.
Other names: p.Q52Q:CAG>CAA; c.156G>A, p.Gln52= (NM_001126131.2).
Identifiers: ClinVar variation 138761 (VCV000138761.4), dbSNP rs587781117, ClinGen allele CA292848.
Genomic context (GRCh38, chr15:89,333,599, plus strand): 5'-GTTGTGCCGCAGCTGCCCGCCCTCCGAGGATAGCACTTGCGGCTGCTGAGGCTGCTGTTG[C>T]TGCTGCTGCTGCTGCTGCTGCTGCTGCTGCCGCCGCCGCTGCCCGTCGCTGGGGTCGGAC-3'
Protein context (NP_002684.1, residues 42-62): RQQQQQQQQQ[Gln52=]QQQPQQPQVL

ClinVar aggregate classification (germline): Benign/Likely benign. Review status: criteria provided, multiple submitters, no conflicts (2 of 4 stars). 2 submissions from 2 submitters: Benign (1); Likely benign (1). Last evaluated 2024-02-16.

Conditions:
Progressive sclerosing poliodystrophy (MTDPS4A). Also called: ALPERS DIFFUSE DEGENERATION OF CEREBRAL GRAY MATTER WITH HEPATIC CIRRHOSIS; Alpers-Huttenlocher Syndrome; Alpers Syndrome; Mitochondrial DNA depletion syndrome 4A (Alpers type); NEURONAL DEGENERATION OF CHILDHOOD WITH LIVER DISEASE, PROGRESSIVE; Mitochondrial DNA Depletion Syndrome 4A. Identifiers: Orphanet 726, MedGen C0205710, MONDO:0008758, OMIM 203700.

gnomAD v4.1: 2 of 1,343,814 alleles (0.00015%); highest among the groups gnomAD compares: Non-Finnish European, 0.0002%; no homozygotes.

Submissions (2):

Labcorp Genetics (formerly Invitae), Labcorp
Classification: Likely benign for Progressive sclerosing poliodystrophy. Last evaluated: 2024-02-16. Review status: criteria provided, single submitter. Criteria: Invitae Variant Classification Sherloc (09022015). Collection method: clinical testing. Allele origin: germline.

GeneDx
Classification: Benign. Last evaluated: 2014-06-04. Review status: criteria provided, single submitter. Criteria: GeneDx Variant Classification (06012015). Collection method: clinical testing. Allele origin: germline. Affected: yes.
Comment: This variant is considered likely benign or benign based on one or more of the following criteria: it is a conservative change, it occurs at a poorly conserved position in the protein, it is predicted to be benign by multiple in silico algorithms, and/or has population frequency not consistent with disease.